The following is an entry in ClinVar:

NM_025114.4(CEP290):c.4978T>A (p.Leu1660Ile)

Gene: CEP290 (centrosomal protein 290; minus strand). Cytogenetic location: 12q21.32.
Variant type: single nucleotide variant.
Coding change: c.4978T>A on transcript NM_025114.4 (MANE Select); coding-DNA position 4978, T replaced by A.
Protein change: p.Leu1660Ile; replaces leucine 1660 with isoleucine.
Molecular consequence: missense variant.
Genome position (GRCh38, 1-based): chr12:88,083,065, A>T on the plus strand (T>A on the coding strand, the complement: CEP290 is on the minus strand). VCF-style: chr12-88083065-A-T. GRCh37 (hg19) VCF-style: chr12-88476842-A-T.
Other names: short protein forms L1660I.
Identifiers: ClinVar variation 530922 (VCV000530922.21), dbSNP rs372557655, ClinGen allele CA6711822.

ClinVar aggregate classification (germline): Conflicting classifications of pathogenicity. Review status: criteria provided, conflicting classifications (1 of 4 stars). 9 submissions from 9 submitters: Uncertain significance (6); Likely benign (1). 2 of the submissions do not count toward it. Last evaluated 2026-09-24.

Conditions:
Inborn genetic diseases. Identifiers: MedGen C0950123, MeSH D030342.
Meckel-Gruber syndrome. Also called: GRUBER SYNDROME; DYSENCEPHALIA SPLANCHNOCYSTICA; Dysencephalia splachnocystica. Identifiers: Orphanet 564, MedGen C0265215, MONDO:0018921.
Joubert syndrome. Also called: JOUBERT-BOLTSHAUSER SYNDROME; Familial aplasia of the vermis. Identifiers: Orphanet 475, MedGen C5979921, MONDO:0018772.
Nephronophthisis. Also called: Juvenile Nephronophthisis. Identifiers: Orphanet 655, MedGen C0687120, MONDO:0019005, HP:0000090.
CEP290-related disorder. Also called: CEP290-related disorders; CEP290-related condition. Identifiers: MedGen CN239314.
Retinal dystrophy. Also called: Inherited retinal dystrophy. Identifiers: Orphanet 71862, MedGen C0854723, MeSH D058499, MONDO:0019118, HP:0000556.
Leber congenital amaurosis (LCA). Also called: Leber's amaurosis. Identifiers: Orphanet 65, MedGen C0339527, MeSH D057130, MONDO:0018998.
Joubert syndrome 5 (JBTS5). Identifiers: Orphanet 2318, MedGen C1857780, MONDO:0012432, OMIM 610188.
Senior-Loken syndrome 6 (SLSN6). Identifiers: Orphanet 3156, MedGen C1857779, MONDO:0012433, OMIM 610189.
Bardet-Biedl syndrome 14 (BBS14). Identifiers: Orphanet 110, MedGen C2673874, MONDO:0014442, OMIM 615991.
Leber congenital amaurosis 10 (LCA10). Identifiers: Orphanet 65, MedGen C1857821, MONDO:0012723, OMIM 611755.
Meckel syndrome, type 4 (MKS4). Also called: MECKEL-GRUBER SYNDROME, TYPE 4. Identifiers: Orphanet 564, MedGen C1970161, MONDO:0012626, OMIM 611134.

Allele frequency attached by ClinVar (database versions not stated): gnomAD exomes 0.00001 and 0.00002; ExAC 0.00004; ESP Exome Variant Server 0.00009; TOPMed 0.00009; gnomAD 0.00012 and 0.00013.
gnomAD v4.1: 49 of 1,522,266 alleles (0.0032%); highest among the groups gnomAD compares: African/African-American, 0.051%; no homozygotes.

Submissions (9):

PreventionGenetics, part of Exact Sciences
Classification: Uncertain significance for CEP290-related condition. Last evaluated: 2026-09-24. Review status: criteria provided, single submitter. Criteria: ACMG Guidelines, 2015. Collection method: clinical testing. Allele origin: germline.
Comment: The CEP290 c.4978T>A variant is predicted to result in the amino acid substitution p.Leu1660Ile. To our knowledge, this variant has not been reported in the literature. This variant is reported in 0.049% of alleles in individuals of African descent in gnomAD. At this time, the clinical significance of this variant is uncertain due to the absence of conclusive functional and genetic evidence.

Labcorp Genetics (formerly Invitae), Labcorp
Classification: Uncertain significance for Joubert syndrome; Meckel-Gruber syndrome; Nephronophthisis. Last evaluated: 2026-02-01. Review status: criteria provided, single submitter. Criteria: Invitae Variant Classification Sherloc (09022015). Collection method: clinical testing. Allele origin: germline.
Comment: This sequence change replaces leucine, which is neutral and non-polar, with isoleucine, which is neutral and non-polar, at codon 1660 of the CEP290 protein (p.Leu1660Ile). This variant is present in population databases (rs372557655, gnomAD 0.04%). This variant has not been reported in the literature in individuals affected with CEP290-related conditions. ClinVar contains an entry for this variant (Variation ID: 530922). Invitae Evidence Modeling of protein sequence and biophysical properties (such as structural, functional, and spatial information, amino acid conservation, physicochemical variation, residue mobility, and thermodynamic stability) indicates that this missense variant is not expected to disrupt CEP290 protein function with a negative predictive value of 80%. In summary, the available evidence is currently insufficient to determine the role of this variant in disease. Therefore, it has been classified as a Variant of Uncertain Significance.

Ambry Genetics
Classification: Uncertain significance for Inborn genetic diseases. Last evaluated: 2025-10-21. Review status: criteria provided, single submitter. Criteria: Ambry Variant Classification Scheme 2023. Collection method: clinical testing. Allele origin: germline.

Blueprint Genetics
Classification: Likely benign. Last evaluated: 2024-07-02. Review status: criteria provided, single submitter. Criteria: ACMG Guidelines, 2015. Collection method: clinical testing. Allele origin: germline.

Fulgent Genetics
Classification: Uncertain significance for Joubert syndrome 5; Senior-Loken syndrome 6; Meckel syndrome, type 4; Leber congenital amaurosis 10; Bardet-Biedl syndrome 14. Last evaluated: 2024-03-07. Review status: criteria provided, single submitter. Criteria: ACMG Guidelines, 2015. Collection method: clinical testing. Allele origin: germline.

GeneDx
Classification: Uncertain significance. Last evaluated: 2019-11-21. Review status: criteria provided, single submitter. Criteria: GeneDx Variant Classification Process June 2021. Collection method: clinical testing. Allele origin: germline. Affected: yes.
Comment: In silico analysis, which includes protein predictors and evolutionary conservation, supports that this variant does not alter protein structure/function; Has not been previously published as pathogenic or benign to our knowledge

Eurofins Ntd Llc (ga)
Classification: Uncertain significance. Last evaluated: 2018-07-03. Review status: criteria provided, single submitter. Criteria: EGL ClinVar v180209 classification definitions. Collection method: clinical testing. Allele origin: germline. Observed: 1 variant allele, 1 heterozygote.

Institute of Human Genetics, Univ. Regensburg, Univ. Regensburg
Classification: Uncertain significance for Retinal dystrophy. Last evaluated: 2022-01-01. Review status: no assertion criteria provided. Criteria: ACMG Guidelines, 2015. Collection method: clinical testing. Allele origin: germline. Affected: yes. Not counted in ClinVar's aggregate classification.

Natera, Inc.
Classification: Uncertain significance for Leber congenital amaurosis. Last evaluated: 2020-04-17. Review status: no assertion criteria provided. Collection method: clinical testing. Allele origin: germline. Not counted in ClinVar's aggregate classification.